The following is an entry in ClinVar:

NM_000212.3(ITGB3):c.709_710del (p.Ser237fs)

Gene: ITGB3 (integrin subunit beta 3; plus strand). Cytogenetic location: 17q21.32.
Variant type: Microsatellite.
Coding change: c.709_710del on transcript NM_000212.3 (MANE Select); coding-DNA positions 709 to 710, 2 bases deleted (AG; older notation c.709_710delAG).
Protein change: p.Ser237fs; shifts the reading frame from serine 237.
Molecular consequence: frameshift variant.
Genome position (GRCh38, 1-based): chr17:47,286,354-47,286,355, AG deleted; deleting any 2 consecutive bases within chr17:47,286,352-47,286,355 gives the same sequence; the c. name uses the placement nearest the transcript's 3' end. VCF-style (leftmost placement, unchanged base first): chr17-47286351-CAG-C. GRCh37 (hg19) VCF-style: chr17-45363717-CAG-C.
Other names: c.709_710delAG (NM_000212.2); short protein forms S237fs.
Identifiers: ClinVar variation 996178 (VCV000996178.6), dbSNP rs746626039, ClinGen allele CA8623029.
Genomic context (GRCh38, chr17:47,286,351, plus strand): 5'-TACAAACACGTGCTGACGCTAACTGACCAGGTGACCCGCTTCAATGAGGAAGTGAAGAAG[CAG>C]AGTGTGTCACGGAACCGAGATGCCCCAGAGGGTGGCTTTGATGCCATCATGCAGGCTACA-3'

ClinVar aggregate classification (germline): Pathogenic. Review status: reviewed by expert panel (3 of 4 stars). 4 submissions from 4 submitters: Pathogenic (1). 3 of the submissions do not count toward it. Last evaluated 2020-10-20.

Conditions:
Glanzmann thrombasthenia 2. Also called: BLEEDING DISORDER, PLATELET-TYPE, 23. Identifiers: MedGen C5543273, MONDO:0031009, OMIM 619267.
Bleeding disorder, platelet-type, 24. Also called: GLANZMANN THROMBASTHENIA-LIKE WITH MACROTHROMBOCYTOPENIA 2. Identifiers: MedGen C5543280, MONDO:0030996, OMIM 619271.
Myocardial infarction, susceptibility to. Identifiers: MedGen C1832662, MONDO:0012039, OMIM 608446.
Platelet-type bleeding disorder 16 (BDPLT16). Also called: Bleeding disorder, platelet-type, 16, autosomal dominant. Identifiers: Orphanet 140957, MedGen C5442010, MONDO:0008552, OMIM 187800.
Glanzmann thrombasthenia. Also called: Glanzmann's thrombasthenia; PLATELET GLYCOPROTEIN IIb-IIIa DEFICIENCY; BLEEDING DISORDER, PLATELET-TYPE, 2; THROMBASTHENIA OF GLANZMANN AND NAEGELI; Thrombasthenia. Identifiers: Orphanet 849, MedGen C0040015, MONDO:0100326.

Submissions (4):

ClinGen Platelet Disorders Variant Curation Expert Panel, ClinGen
Classification: Pathogenic for Glanzmann thrombasthenia. Last evaluated: 2020-10-20. Review status: reviewed by expert panel. Criteria: ClinGen Platelet ACMG Specifications v2. Collection method: curation. Allele origin: germline. Inheritance: Autosomal recessive inheritance.
Comment: NM_000212.3(ITGB3):c.709_710del is a frameshift deletion variant located on exon 5 and predicted to cause nonsense medicated decay. It is absent from major population databases. This variant has been reported in a symptomatic individual who meets diagnostic criteria for the GT phenotype (PMID: 25728920 ). This variant meets PVS1, PM2_Supporting and PP4_Strong GT specific criteria and has therefore been classified as Pathogenic.

Fulgent Genetics
Classification: Likely pathogenic for Myocardial infarction, susceptibility to; Glanzmann thrombasthenia 2; Bleeding disorder, platelet-type, 24. Last evaluated: 2024-02-14. Review status: criteria provided, single submitter. Criteria: ACMG Guidelines, 2015. Collection method: clinical testing. Allele origin: germline. Not counted in ClinVar's aggregate classification.

Labcorp Genetics (formerly Invitae), Labcorp
Classification: Pathogenic. Last evaluated: 2024-01-11. Review status: criteria provided, single submitter. Criteria: Invitae Variant Classification Sherloc (09022015). Collection method: clinical testing. Allele origin: germline. Not counted in ClinVar's aggregate classification.
Comment: This sequence change creates a premature translational stop signal (p.Ser237Cysfs*13) in the ITGB3 gene. It is expected to result in an absent or disrupted protein product. Loss-of-function variants in ITGB3 are known to be pathogenic (PMID: 21917754). This variant is present in population databases (rs746626039, gnomAD 0.002%). This premature translational stop signal has been observed in individual(s) with Glanzmann thrombasthenia (PMID: 25728920). This variant is also known as c.708_709del. ClinVar contains an entry for this variant (Variation ID: 996178). For these reasons, this variant has been classified as Pathogenic.

ISTH-SSC Genomics in Thrombosis and Hemostasis, KU Leuven, Center for Molecular and Vascular Biology
Classification: Pathogenic for Platelet-type bleeding disorder 16. Review status: no assertion criteria provided. Collection method: research. Allele origin: unknown. Affected: yes. Not counted in ClinVar's aggregate classification.
Comment: Submitted to GoldVariant by Dr Karyn Mégy from NIHR Bioresource - Cambridge University, UK

Literature cited by the submitters: PubMed 25728920 (cited by ClinGen Platelet Disorders Variant Curation Expert Panel, ClinGen and Labcorp Genetics (formerly Invitae), Labcorp); PubMed 21917754 (cited by Labcorp Genetics (formerly Invitae), Labcorp).